The following is an entry in ClinVar:

ClinVar aggregate classification (germline): Uncertain significance (1 of 4 stars; one submission).

Allele frequency attached by ClinVar (database versions not stated): gnomAD 0.00001; gnomAD exomes 0.00001; TOPMed below 0.00001.

Submission:

Labcorp Genetics (formerly Invitae), Labcorp
Classification: Uncertain significance. Last evaluated: 2021-07-31. Review status: criteria provided, single submitter. Criteria: Invitae Variant Classification Sherloc (09022015). Collection method: clinical testing. Allele origin: germline.
Comment: This sequence change affects codon 1679 of the MPDZ mRNA. It is a 'silent' change, meaning that it does not change the encoded amino acid sequence of the MPDZ protein. This variant also falls at the last nucleotide of exon 37, which is part of the consensus splice site for this exon. This variant is not present in population databases (ExAC no frequency). This variant has not been reported in the literature in individuals affected with MPDZ-related conditions. Nucleotide substitutions within the consensus splice site are a relatively common cause of aberrant splicing (PMID: 17576681, 9536098). Algorithms developed to predict the effect of sequence changes on RNA splicing suggest that this variant may disrupt the consensus splice site. In summary, the available evidence is currently insufficient to determine the role of this variant in disease. Therefore, it has been classified as a Variant of Uncertain Significance.

Literature cited by the submitters: PubMed 17576681; PubMed 9536098.

NM_001378778.1(MPDZ):c.5037G>A (p.Glu1679=)

Gene: MPDZ (multiple PDZ domain crumbs cell polarity complex component; minus strand). Cytogenetic location: 9p23.
Variant type: single nucleotide variant.
Coding change: c.5037G>A on transcript NM_001378778.1 (MANE Select); coding-DNA position 5037, G replaced by A.
Protein change: p.Glu1679=; no amino-acid change (glutamic acid 1679 retained).
Molecular consequence: synonymous variant.
Genome position (GRCh38, 1-based): chr9:13,122,087, C>T on the plus strand (G>A on the coding strand, the complement: MPDZ is on the minus strand). VCF-style: chr9-13122087-C-T. GRCh37 (hg19) VCF-style: chr9-13122086-C-T.
Other names: c.4938G>A, p.Glu1646= (NM_001261406.2, NM_001261407.2, NM_001375416.1 and 3 more transcripts); c.5037G>A, p.Glu1679= (NM_001330637.2, NM_003829.5); c.5136G>A, p.Glu1712= (NM_001375413.1); c.4827G>A, p.Glu1609= (NM_001375420.1, NM_001375421.1, NM_001375422.1 and 4 more transcripts); c.4629G>A, p.Glu1543= (NM_001375427.1).
Identifiers: ClinVar variation 1491540 (VCV001491540.3), dbSNP rs1305938022, ClinGen allele CA463870409.